The following is an entry in ClinVar:

NM_018941.4(CLN8):c.117T>G (p.Phe39Leu)

Gene: CLN8 (CLN8 transmembrane ER and ERGIC protein; plus strand). Cytogenetic location: 8p23.3.
Variant type: single nucleotide variant.
Coding change: c.117T>G on transcript NM_018941.4 (MANE Select); coding-DNA position 117, T replaced by G.
Protein change: p.Phe39Leu; replaces phenylalanine 39 with leucine.
Molecular consequence: missense variant.
Genome position (GRCh38, 1-based): chr8:1,771,171, T>G. VCF-style: chr8-1771171-T-G. GRCh37 (hg19) VCF-style: chr8-1719337-T-G.
Other names: short protein forms F39L.
Identifiers: ClinVar variation 572573 (VCV000572573.6), dbSNP rs201670636, ClinGen allele CA4599203.
Genomic context (GRCh38, chr8:1,771,171, plus strand): 5'-ATCCTGGGGGATCCGCTCCACGCTGATGGTCGCTGGCTTTGTCTTCTACTTGGGCGTCTT[T>G]GTGGTCTGCCACCAGCTGTCCTCTTCCCTGAATGCCACTTACCGTTCTTTGGTGGCCAGA-3'
Protein context (NP_061764.2, residues 29-49): VAGFVFYLGV[Phe39Leu]VVCHQLSSSL

ClinVar aggregate classification (germline): Uncertain significance. Review status: criteria provided, single submitter (1 of 4 stars). 2 submissions from 2 submitters: Uncertain significance (1). 1 of the submissions does not count toward it. Last evaluated 2025-12-05.

Conditions:
Neuronal ceroid lipofuscinosis. Also called: Neuronal Ceroid Lipofuscinoses. Identifiers: Orphanet 216, Orphanet 79263, MedGen C0027877, MONDO:0016295. Disease mechanism: loss of function.
Neuronal ceroid lipofuscinosis 8 (CLN8). Also called: CLN8-Related Neuronal Ceroid-Lipofuscinosis. Identifiers: Orphanet 168491, Orphanet 228354, Orphanet 79264, MedGen C1838570, MONDO:0010830, OMIM 600143.

Allele frequency attached by ClinVar (database versions not stated): TOPMed below 0.00001; gnomAD 0.00001 and 0.00002; 1000 Genomes Project 30x 0.00016; 1000 Genomes Project 0.00020.
gnomAD v4.1: 38 of 1,614,090 alleles (0.0024%); highest among the groups gnomAD compares: East Asian, 0.085%; no homozygotes.

Submissions (2):

Labcorp Genetics (formerly Invitae), Labcorp
Classification: Uncertain significance for Neuronal ceroid lipofuscinosis. Last evaluated: 2025-12-05. Review status: criteria provided, single submitter. Criteria: Invitae Variant Classification Sherloc (09022015). Collection method: clinical testing. Allele origin: germline.
Comment: This sequence change replaces phenylalanine, which is neutral and non-polar, with leucine, which is neutral and non-polar, at codon 39 of the CLN8 protein (p.Phe39Leu). This variant is present in population databases (rs201670636, gnomAD 0.006%). This variant has not been reported in the literature in individuals affected with CLN8-related conditions. ClinVar contains an entry for this variant (Variation ID: 572573). Invitae Evidence Modeling of protein sequence and biophysical properties (such as structural, functional, and spatial information, amino acid conservation, physicochemical variation, residue mobility, and thermodynamic stability) has been performed for this missense variant. However, the output from this modeling did not meet the statistical confidence thresholds required to predict the impact of this variant on CLN8 protein function. In summary, the available evidence is currently insufficient to determine the role of this variant in disease. Therefore, it has been classified as a Variant of Uncertain Significance.

Natera, Inc.
Classification: Uncertain significance for Neuronal ceroid lipofuscinosis 8. Last evaluated: 2020-09-03. Review status: no assertion criteria provided. Collection method: clinical testing. Allele origin: germline. Not counted in ClinVar's aggregate classification.